The following is an entry in ClinVar:

NM_001031725.6(DDX59):c.1247A>G (p.Asn416Ser)

Gene: DDX59 (DEAD-box helicase 59; minus strand). Cytogenetic location: 1q32.1.
Variant type: single nucleotide variant.
Coding change: c.1247A>G on transcript NM_001031725.6 (MANE Select); coding-DNA position 1247, A replaced by G.
Protein change: p.Asn416Ser; replaces asparagine 416 with serine.
Molecular consequence: missense variant. On other transcripts: intron variant (3).
Genome position (GRCh38, 1-based): chr1:200,650,492, T>C on the plus strand (A>G on the coding strand, the complement: DDX59 is on the minus strand). VCF-style: chr1-200650492-T-C. GRCh37 (hg19) VCF-style: chr1-200619620-T-C.
Other names: c.973-1266A>G (NM_001320182.1); c.1063-5975A>G (NM_001349804.2); c.1063-1266A>G (NM_001349803.3); c.1247A>G, p.Asn416Ser (NM_001320181.2, NM_001349799.3, NM_001349800.3 and 2 more transcripts); short protein forms N416S.
Identifiers: ClinVar variation 1701118 (VCV001701118.31), dbSNP rs751642340, ClinGen allele CA1318328.

ClinVar aggregate classification (germline): Likely benign (1 of 4 stars; one submission).

Allele frequency attached by ClinVar (database versions not stated): gnomAD exomes below 0.00001 and 0.00001; gnomAD 0.00001; TOPMed 0.00001; ExAC 0.00002.
gnomAD v4.1: 5 of 1,613,946 alleles (0.00031%); highest among the groups gnomAD compares: Admixed American, 0.0017%; no homozygotes.

Submission:

CeGaT Center for Human Genetics Tuebingen
Classification: Likely benign. Last evaluated: 2022-07-01. Review status: criteria provided, single submitter. Criteria: CeGaT Center For Human Genetics Tuebingen Variant Classification Criteria Version 2. Collection method: clinical testing. Allele origin: germline. Affected: yes. Observed: 1 variant allele.
Comment: DDX59: BP4